The following is an entry in ClinVar:

NM_002439.5(MSH3):c.1173+5G>C

Gene: MSH3 (mutS homolog 3; plus strand). Cytogenetic location: 5q14.1.
Variant type: single nucleotide variant.
Coding change: c.1173+5G>C on transcript NM_002439.5 (MANE Select); 5 bases into the intron after coding-DNA position 1173, G replaced by C.
Molecular consequence: intron variant.
Genome position (GRCh38, 1-based): chr5:80,675,133, G>C. VCF-style: chr5-80675133-G-C. GRCh37 (hg19) VCF-style: chr5-79970952-G-C.
Identifiers: ClinVar variation 4731720 (VCV004731720.1).

ClinVar aggregate classification (germline): Uncertain significance (1 of 4 stars; one submission).

Submission:

Labcorp Genetics (formerly Invitae), Labcorp
Classification: Uncertain significance. Last evaluated: 2025-11-23. Review status: criteria provided, single submitter. Criteria: Invitae Variant Classification Sherloc (09022015). Collection method: clinical testing. Allele origin: germline.
Comment: This sequence change falls in intron 7 of the MSH3 gene. It does not directly change the encoded amino acid sequence of the MSH3 protein. It affects a nucleotide within the consensus splice site. This variant is not present in population databases (gnomAD no frequency). This variant has not been reported in the literature in individuals affected with MSH3-related conditions. Variants that disrupt the consensus splice site are a relatively common cause of aberrant splicing (PMID: 17576681, 9536098). Algorithms developed to predict the effect of sequence changes on RNA splicing suggest that this variant may disrupt the consensus splice site. In summary, the available evidence is currently insufficient to determine the role of this variant in disease. Therefore, it has been classified as a Variant of Uncertain Significance.

Literature cited by the submitters: PubMed 17576681; PubMed 9536098.